The following is an entry in ClinVar:

ClinVar aggregate classification (germline): Uncertain significance. Review status: criteria provided, multiple submitters, no conflicts (2 of 4 stars). 2 submissions from 2 submitters: Uncertain significance (2). Last evaluated 2026-04-07.

gnomAD v4.1: 19 of 1,614,204 alleles (0.0012%); highest among the groups gnomAD compares: East Asian, 0.0045%; no homozygotes.

Submissions (2):

Women's Health and Genetics/Laboratory Corporation of America, LabCorp
Classification: Uncertain significance. Last evaluated: 2026-04-07. Review status: criteria provided, single submitter. Criteria: LabCorp Variant Classification Summary - May 2015. Collection method: clinical testing. Allele origin: germline.
Comment: Variant summary: DIP2B c.2903T>C (p.Ile968Thr) results in a non-conservative amino acid change in the encoded protein sequence. Algorithms developed to predict the effect of missense changes on protein structure and function are either unavailable or do not agree on the potential impact of this missense change. The variant was absent in 251406 control chromosomes. The available data on variant occurrences in the general population are insufficient to allow any conclusion about variant significance. To our knowledge, no occurrence of c.2903T>C in individuals affected with DIP2B-related conditions and no experimental evidence demonstrating its impact on protein function have been reported. ClinVar contains an entry for this variant (Variation ID: 3272094). Based on the evidence outlined above, the variant was classified as uncertain significance.

Ambry Genetics
Classification: Uncertain significance. Last evaluated: 2024-06-07. Review status: criteria provided, single submitter. Criteria: Ambry Variant Classification Scheme 2023. Collection method: clinical testing. Allele origin: germline.

NM_173602.3(DIP2B):c.2903T>C (p.Ile968Thr)

Gene: DIP2B (DIP2 acetate--CoA ligase B (putative); plus strand). Cytogenetic location: 12q13.12.
Variant type: single nucleotide variant.
Coding change: c.2903T>C on transcript NM_173602.3 (MANE Select); coding-DNA position 2903, T replaced by C.
Protein change: p.Ile968Thr; replaces isoleucine 968 with threonine.
Molecular consequence: missense variant.
Genome position (GRCh38, 1-based): chr12:50,718,760, T>C. VCF-style: chr12-50718760-T-C. GRCh37 (hg19) VCF-style: chr12-51112543-T-C.
Other names: short protein forms I968T.
Identifiers: ClinVar variation 3272094 (VCV003272094.3).